The following is an entry in ClinVar:

NM_001130438.3(SPTAN1):c.3504G>C (p.Gln1168His)

Gene: SPTAN1 (spectrin alpha, non-erythrocytic 1; plus strand). Cytogenetic location: 9q34.11.
Variant type: single nucleotide variant.
Coding change: c.3504G>C on transcript NM_001130438.3 (MANE Select); coding-DNA position 3504, G replaced by C.
Protein change: p.Gln1168His; replaces glutamine 1168 with histidine.
Molecular consequence: missense variant.
Genome position (GRCh38, 1-based): chr9:128,598,489, G>C. VCF-style: chr9-128598489-G-C. GRCh37 (hg19) VCF-style: chr9-131360768-G-C.
Other names: c.3444G>C, p.Gln1148His (NM_001195532.2, NM_001363765.2, NM_001375314.2); c.3504G>C, p.Gln1168His (NM_001363759.2, NM_001375310.1, NM_001375311.2 and 2 more transcripts); c.3540G>C, p.Gln1180His (NM_001375312.2, NM_001375318.1); short protein forms Q1148H, Q1168H, Q1180H.
Identifiers: ClinVar variation 3381254 (VCV003381254.2).

ClinVar aggregate classification (germline): Uncertain significance (1 of 4 stars; one submission).

Conditions:
Developmental and epileptic encephalopathy, 5 (DEE5). Identifiers: Orphanet 3451, MedGen C3150731, MONDO:0013277, OMIM 613477.

Submission:

Servicio de Genética Del Instituto Nacional de Salud Del Niño, Ministerio de Salud
Classification: Uncertain significance for Developmental and epileptic encephalopathy, 5. Last evaluated: 2024-11-18. Review status: criteria provided, single submitter. Criteria: ACMG Guidelines, 2015. Collection method: clinical testing. Allele origin: germline. Inheritance: Autosomal dominant inheritance.
Comment: The variant NM_001130438.3:c.3504G>C results in the substitution of glutamine with histidine at position 1168 (p.Gln1168His). Glutamine is a polar, uncharged amino acid, while histidine is polar with an imidazole side chain that can participate in hydrogen bonding. This change could affect the protein's structure or function. Based on PM2 (absence in population databases), PP2 (conservation of the amino acid), and BP4 (in silico predictions suggesting no impact on protein function), this variant is classified as uncertain significance